The following is an entry in ClinVar:

ClinVar aggregate classification (germline): Uncertain significance (1 of 4 stars; one submission).

Conditions:
Torsion dystonia 6 (DYT6). Also called: DYT-THAP1. Identifiers: Orphanet 98806, MedGen C1414216, MONDO:0011264, OMIM 602629.

Allele frequency attached by ClinVar (database versions not stated): TOPMed below 0.00001; gnomAD 0.00001; gnomAD exomes 0.00001.
gnomAD v4.1: 15 of 1,614,048 alleles (0.00093%); highest among the groups gnomAD compares: Non-Finnish European, 0.0012%; no homozygotes.

Submission:

Labcorp Genetics (formerly Invitae), Labcorp
Classification: Uncertain significance for Torsion dystonia 6. Last evaluated: 2024-10-07. Review status: criteria provided, single submitter. Criteria: Invitae Variant Classification Sherloc (09022015). Collection method: clinical testing. Allele origin: germline.
Comment: This sequence change replaces threonine, which is neutral and polar, with alanine, which is neutral and non-polar, at codon 142 of the THAP1 protein (p.Thr142Ala). This variant is present in population databases (no rsID available, gnomAD 0.0009%). This variant has not been reported in the literature in individuals affected with THAP1-related conditions. ClinVar contains an entry for this variant (Variation ID: 2157617). An algorithm developed to predict the effect of missense changes on protein structure and function (PolyPhen-2) suggests that this variant is likely to be tolerated. Experimental studies have shown that this missense change does not substantially affect THAP1 function (PMID: 21752024). In summary, the available evidence is currently insufficient to determine the role of this variant in disease. Therefore, it has been classified as a Variant of Uncertain Significance.

Literature cited by the submitters: PubMed 21752024.

NM_018105.3(THAP1):c.424A>G (p.Thr142Ala)

Gene: THAP1 (THAP domain containing 1; minus strand). Cytogenetic location: 8p11.21.
Variant type: single nucleotide variant.
Coding change: c.424A>G on transcript NM_018105.3 (MANE Select); coding-DNA position 424, A replaced by G.
Protein change: p.Thr142Ala; replaces threonine 142 with alanine.
Molecular consequence: missense variant. On other transcripts: 3 prime UTR variant (1).
Genome position (GRCh38, 1-based): chr8:42,838,180, T>C on the plus strand (A>G on the coding strand, the complement: THAP1 is on the minus strand). VCF-style: chr8-42838180-T-C. GRCh37 (hg19) VCF-style: chr8-42693323-T-C.
Other names: c.*66A>G (NM_199003.2); short protein forms T142A.
Identifiers: ClinVar variation 2157617 (VCV002157617.4), dbSNP rs997302546, ClinGen allele CA176034183.